The following is an entry in ClinVar:

NM_172107.4(KCNQ2):c.2281G>A (p.Ala761Thr)

Gene: KCNQ2 (potassium voltage-gated channel subfamily Q member 2; minus strand). Cytogenetic location: 20q13.33.
Variant type: single nucleotide variant.
Coding change: c.2281G>A on transcript NM_172107.4 (MANE Select); coding-DNA position 2281, G replaced by A.
Protein change: p.Ala761Thr; replaces alanine 761 with threonine.
Molecular consequence: missense variant.
Genome position (GRCh38, 1-based): chr20:63,406,982, C>T on the plus strand (G>A on the coding strand, the complement: KCNQ2 is on the minus strand). VCF-style: chr20-63406982-C-T. GRCh37 (hg19) VCF-style: chr20-62038335-C-T.
Other names: c.2281G>A (NM_172107.3); c.2197G>A, p.Ala733Thr (NM_004518.6); c.2227G>A, p.Ala743Thr (NM_172106.3); c.2188G>A, p.Ala730Thr (NM_172108.5); short protein forms A761T, A730T, A743T, A733T.
Identifiers: ClinVar variation 129334 (VCV000129334.37), dbSNP rs587780366, ClinGen allele CA231192.
Genomic context (GRCh38, chr20:63,406,982, plus strand): 5'-GGTTCCCCTCGGGGGGCCTGCAGCCCGGGGTGTCCTCCTGCCGCAGGAACTCCATGCTGG[C>T]GCGGTTGCCCCCGCCGTAGGCGGACAGCGACCGCTCGTGGGCAGGCGGCGGCGGGATGCG-3'
Protein context (NP_742105.1, residues 751-771): SLSAYGGGNR[Ala761Thr]SMEFLRQEDT

ClinVar aggregate classification (germline): Conflicting classifications of pathogenicity. Review status: criteria provided, conflicting classifications (1 of 4 stars). 5 submissions from 5 submitters: Uncertain significance (4); Likely benign (1). Last evaluated 2026-09-18.

Conditions:
Early-infantile DEE. Also called: Ohtahara syndrome; Early infantile epileptic encephalopathy with suppression bursts; Early infantile epileptic encephalopathy. Identifiers: Orphanet 1934, MedGen C0393706, MONDO:0800491.
Inborn genetic diseases. Identifiers: MedGen C0950123, MeSH D030342.
KCNQ2-Related Disorders. Also called: KCNQ2-related disorder; KCNQ2-related condition. Identifiers: MedGen CN169299.

gnomAD v4.1: 7 of 1,528,100 alleles (0.00046%); highest among the groups gnomAD compares: South Asian, 0.0012%; no homozygotes.

Submissions (5):

PreventionGenetics, part of Exact Sciences
Classification: Likely benign for KCNQ2-related condition. Last evaluated: 2026-09-18. Review status: criteria provided, single submitter. Criteria: ACMG Guidelines, 2015. Collection method: clinical testing. Allele origin: germline.
Comment: This variant is classified as likely benign based on ACMG/AMP sequence variant interpretation guidelines (Richards et al. 2015 PMID: 25741868, with internal and published modifications).

Labcorp Genetics (formerly Invitae), Labcorp
Classification: Uncertain significance for Early-infantile DEE. Last evaluated: 2024-10-10. Review status: criteria provided, single submitter. Criteria: Invitae Variant Classification Sherloc (09022015). Collection method: clinical testing. Allele origin: germline.
Comment: This sequence change replaces alanine, which is neutral and non-polar, with threonine, which is neutral and polar, at codon 761 of the KCNQ2 protein (p.Ala761Thr). This variant is present in population databases (rs587780366, gnomAD 0.002%). This variant has not been reported in the literature in individuals affected with KCNQ2-related conditions. ClinVar contains an entry for this variant (Variation ID: 129334). Invitae Evidence Modeling of protein sequence and biophysical properties (such as structural, functional, and spatial information, amino acid conservation, physicochemical variation, residue mobility, and thermodynamic stability) has been performed for this missense variant. However, the output from this modeling did not meet the statistical confidence thresholds required to predict the impact of this variant on KCNQ2 protein function. In summary, the available evidence is currently insufficient to determine the role of this variant in disease. Therefore, it has been classified as a Variant of Uncertain Significance.

CeGaT Center for Human Genetics Tuebingen
Classification: Uncertain significance. Last evaluated: 2023-09-01. Review status: criteria provided, single submitter. Criteria: CeGaT Center For Human Genetics Tuebingen Variant Classification Criteria Version 2. Collection method: clinical testing. Allele origin: germline. Affected: yes. Observed: 1 variant allele.

Ambry Genetics
Classification: Uncertain significance for Inborn genetic diseases. Last evaluated: 2018-12-14. Review status: criteria provided, single submitter. Criteria: Ambry Variant Classification Scheme 2023. Collection method: clinical testing. Allele origin: germline.
Comment: The p.A761T variant (also known as c.2281G>A), located in coding exon 17 of the KCNQ2 gene, results from a G to A substitution at nucleotide position 2281. The alanine at codon 761 is replaced by threonine, an amino acid with similar properties. This amino acid position is well conserved in available vertebrate species. In addition, the in silico prediction for this alteration is inconclusive. Since supporting evidence is limited at this time, the clinical significance of this alteration remains unclear.

Genetic Services Laboratory, University of Chicago
Classification: Uncertain significance. Last evaluated: 2013-08-08. Review status: criteria provided, single submitter. Criteria: ACMG Guidelines, 2007. Collection method: clinical testing. Allele origin: germline. Inheritance: Autosomal dominant inheritance.